The following is an entry in ClinVar:

NM_002168.4(IDH2):c.1010C>T (p.Pro337Leu)

Gene: IDH2 (isocitrate dehydrogenase (NADP(+)) 2; minus strand). Cytogenetic location: 15q26.1.
Variant type: single nucleotide variant.
Coding change: c.1010C>T on transcript NM_002168.4 (MANE Select); coding-DNA position 1010, C replaced by T.
Protein change: p.Pro337Leu; replaces proline 337 with leucine.
Molecular consequence: missense variant.
Genome position (GRCh38, 1-based): chr15:90,085,345, G>A on the plus strand (C>T on the coding strand, the complement: IDH2 is on the minus strand). VCF-style: chr15-90085345-G-A. GRCh37 (hg19) VCF-style: chr15-90628577-G-A.
Other names: c.854C>T, p.Pro285Leu (NM_001289910.1); c.620C>T, p.Pro207Leu (NM_001290114.2); short protein forms P207L, P285L, P337L.
Identifiers: ClinVar variation 3007672 (VCV003007672.3), dbSNP rs564700723, ClinGen allele CA274658598.

ClinVar aggregate classification (germline): Uncertain significance (1 of 4 stars; one submission).

Conditions:
D-2-hydroxyglutaric aciduria 2 (D2HGA2). Identifiers: Orphanet 79315, MedGen C3150909, MONDO:0013345, OMIM 613657.

Submission:

Labcorp Genetics (formerly Invitae), Labcorp
Classification: Uncertain significance for D-2-hydroxyglutaric aciduria 2. Last evaluated: 2023-03-10. Review status: criteria provided, single submitter. Criteria: Invitae Variant Classification Sherloc (09022015). Collection method: clinical testing. Allele origin: germline.
Comment: This sequence change replaces proline, which is neutral and non-polar, with leucine, which is neutral and non-polar, at codon 337 of the IDH2 protein (p.Pro337Leu). This variant is not present in population databases (gnomAD no frequency). This variant has not been reported in the literature in individuals affected with IDH2-related conditions. Advanced modeling of protein sequence and biophysical properties (such as structural, functional, and spatial information, amino acid conservation, physicochemical variation, residue mobility, and thermodynamic stability) performed at Invitae indicates that this missense variant is expected to disrupt IDH2 protein function. In summary, the available evidence is currently insufficient to determine the role of this variant in disease. Therefore, it has been classified as a Variant of Uncertain Significance.